The following is an entry in ClinVar:

NM_170606.3(KMT2C):c.6005G>C (p.Gly2002Ala)

Gene: KMT2C (lysine methyltransferase 2C; minus strand). Cytogenetic location: 7q36.1.
Variant type: single nucleotide variant.
Coding change: c.6005G>C on transcript NM_170606.3 (MANE Select); coding-DNA position 6005, G replaced by C.
Protein change: p.Gly2002Ala; replaces glycine 2002 with alanine.
Molecular consequence: missense variant.
Genome position (GRCh38, 1-based): chr7:152,181,855, C>G on the plus strand (G>C on the coding strand, the complement: KMT2C is on the minus strand). VCF-style: chr7-152181855-C-G. GRCh37 (hg19) VCF-style: chr7-151878940-C-G.
Other names: short protein forms G2002A.
Identifiers: ClinVar variation 4994082 (VCV004994082.1).

ClinVar aggregate classification (germline): Uncertain significance (1 of 4 stars; one submission).

Conditions:
KMT2C-related disorder. Also called: KMT2C-related condition; KMT2C-related disorders.

gnomAD v4.1: 1 of 1,614,100 alleles (0.000062%); highest among the groups gnomAD compares: Non-Finnish European, 0.000085%; no homozygotes.

Submission:

PreventionGenetics, part of Exact Sciences
Classification: Uncertain significance for KMT2C-related condition. Last evaluated: 2026-09-09. Review status: criteria provided, single submitter. Criteria: ACMG Guidelines, 2015. Collection method: clinical testing. Allele origin: germline.
Comment: The KMT2C c.6005G>C variant is predicted to result in the amino acid substitution p.Gly2002Ala. To our knowledge, this variant has not been reported in the literature or in a large population database (gnomAD), indicating this variant is rare. At this time, the clinical significance of this variant is uncertain due to the absence of conclusive functional and genetic evidence.